The following is an entry in ClinVar:

NM_000062.3(SERPING1):c.1241A>G (p.Glu414Gly)

Gene: SERPING1 (serpin family G member 1; plus strand). Cytogenetic location: 11q12.1.
Variant type: single nucleotide variant.
Coding change: c.1241A>G on transcript NM_000062.3 (MANE Select); coding-DNA position 1241, A replaced by G.
Protein change: p.Glu414Gly; replaces glutamic acid 414 with glycine.
Molecular consequence: missense variant.
Genome position (GRCh38, 1-based): chr11:57,611,928, A>G. VCF-style: chr11-57611928-A-G. GRCh37 (hg19) VCF-style: chr11-57379401-A-G.
Other names: c.1241A>G, p.Glu414Gly (NM_001032295.2); short protein forms E414G.
Identifiers: ClinVar variation 3616453 (VCV003616453.2).

ClinVar aggregate classification (germline): Uncertain significance (1 of 4 stars; one submission).

Submission:

Labcorp Genetics (formerly Invitae), Labcorp
Classification: Uncertain significance. Last evaluated: 2024-05-19. Review status: criteria provided, single submitter. Criteria: Invitae Variant Classification Sherloc (09022015). Collection method: clinical testing. Allele origin: germline.
Comment: This sequence change replaces glutamic acid, which is acidic and polar, with glycine, which is neutral and non-polar, at codon 414 of the SERPING1 protein (p.Glu414Gly). This variant is present in population databases (no rsID available, gnomAD 0.0009%). This variant has not been reported in the literature in individuals affected with SERPING1-related conditions. Advanced modeling of protein sequence and biophysical properties (such as structural, functional, and spatial information, amino acid conservation, physicochemical variation, residue mobility, and thermodynamic stability) has been performed at Invitae for this missense variant, however the output from this modeling did not meet the statistical confidence thresholds required to predict the impact of this variant on SERPING1 protein function. In summary, the available evidence is currently insufficient to determine the role of this variant in disease. Therefore, it has been classified as a Variant of Uncertain Significance.